The following is an entry in ClinVar:

NM_001170629.2(CHD8):c.1156C>T (p.Pro386Ser)

Gene: CHD8 (chromodomain helicase DNA binding protein 8; minus strand). Cytogenetic location: 14q11.2.
Variant type: single nucleotide variant.
Coding change: c.1156C>T on transcript NM_001170629.2 (MANE Select); coding-DNA position 1156, C replaced by T.
Protein change: p.Pro386Ser; replaces proline 386 with serine.
Molecular consequence: missense variant.
Genome position (GRCh38, 1-based): chr14:21,429,023, G>A on the plus strand (C>T on the coding strand, the complement: CHD8 is on the minus strand). VCF-style: chr14-21429023-G-A. GRCh37 (hg19) VCF-style: chr14-21897182-G-A.
Other names: c.319C>T, p.Pro107Ser (NM_020920.4); short protein forms P107S, P386S.
Identifiers: ClinVar variation 3358765 (VCV003358765.3).
Genomic context (GRCh38, chr14:21,429,023, plus strand): 5'-CCTGTGGCTGCAGTACCACCTTGACTGGTACTGAAAGTCTTTGTCCTGGGCTTTGTCCTG[G>A]TCCCATTATCTGAGCCTGCTGTACAGAGGACAGAGTCACTGGCTGGGTGGAGGGTGGCTG-3'
Protein context (NP_001164100.1, residues 376-396): SSVQQAQIMG[Pro386Ser]GQSPGQRLSV

ClinVar aggregate classification (germline): Uncertain significance. Review status: criteria provided, single submitter (1 of 4 stars). 2 submissions from 2 submitters: Uncertain significance (1). 1 of the submissions does not count toward it. Last evaluated 2024-07-15.

Conditions:
CHD8-related disorder. Also called: CHD8-related condition; CHD8-related disorders.

gnomAD v4.1: 242 of 1,613,854 alleles (0.015%); highest among the groups gnomAD compares: Non-Finnish European, 0.02%; no homozygotes.

Submissions (2):

Labcorp Genetics (formerly Invitae), Labcorp
Classification: Uncertain significance. Last evaluated: 2024-07-15. Review status: criteria provided, single submitter. Criteria: Invitae Variant Classification Sherloc (09022015). Collection method: clinical testing. Allele origin: germline.
Comment: This sequence change replaces proline, which is neutral and non-polar, with serine, which is neutral and polar, at codon 386 of the CHD8 protein (p.Pro386Ser). This variant is present in population databases (rs767936386, gnomAD 0.004%). This variant has not been reported in the literature in individuals affected with CHD8-related conditions. An algorithm developed to predict the effect of missense changes on protein structure and function (PolyPhen-2) suggests that this variant is likely to be tolerated. In summary, the available evidence is currently insufficient to determine the role of this variant in disease. Therefore, it has been classified as a Variant of Uncertain Significance.

PreventionGenetics, part of Exact Sciences
Classification: Uncertain significance for CHD8-related condition. Last evaluated: 2024-07-25. Review status: no assertion criteria provided. Collection method: clinical testing. Allele origin: germline. Not counted in ClinVar's aggregate classification.
Comment: The CHD8 c.1156C>T variant is predicted to result in the amino acid substitution p.Pro386Ser. To our knowledge, this variant has not been reported in the literature in association with a neurodevelopmental disorder phenotype. This variant is reported in 0.0053% of alleles in individuals of European (Non-Finnish) descent in gnomAD. At this time, the clinical significance of this variant is uncertain due to the absence of conclusive functional and genetic evidence.